The following is an entry in ClinVar:

ClinVar aggregate classification (germline): Uncertain significance (1 of 4 stars; one submission).

Conditions:
Gastrointestinal stromal tumor. Also called: Gastrointestinal stroma tumor; Gastrointestinal stromal tumor, somatic. Identifiers: Orphanet 44890, MedGen C0238198, MeSH D046152, MONDO:0011719, OMIM 606764, HP:0100723.

Submission:

Labcorp Genetics (formerly Invitae), Labcorp
Classification: Uncertain significance for Gastrointestinal stromal tumor. Last evaluated: 2021-02-28. Review status: criteria provided, single submitter. Criteria: Invitae Variant Classification Sherloc (09022015). Collection method: clinical testing. Allele origin: germline.
Comment: In summary, the available evidence is currently insufficient to determine the role of this variant in disease. Therefore, it has been classified as a Variant of Uncertain Significance. Algorithms developed to predict the effect of missense changes on protein structure and function (SIFT, PolyPhen-2, Align-GVGD) all suggest that this variant is likely to be tolerated, but these predictions have not been confirmed by published functional studies and their clinical significance is uncertain. This variant has not been reported in the literature in individuals with KIT-related conditions. This variant is not present in population databases (ExAC no frequency). This sequence change replaces proline with arginine at codon 317 of the KIT protein (p.Pro317Arg). The proline residue is moderately conserved and there is a moderate physicochemical difference between proline and arginine.

NM_000222.3(KIT):c.950C>G (p.Pro317Arg)

Gene: KIT (KIT proto-oncogene, receptor tyrosine kinase; plus strand). Cytogenetic location: 4q12.
Variant type: single nucleotide variant.
Coding change: c.950C>G on transcript NM_000222.3 (MANE Select); coding-DNA position 950, C replaced by G.
Protein change: p.Pro317Arg; replaces proline 317 with arginine.
Molecular consequence: missense variant.
Genome position (GRCh38, 1-based): chr4:54,707,122, C>G. VCF-style: chr4-54707122-C-G. GRCh37 (hg19) VCF-style: chr4-55573288-C-G.
Other names: c.950C>G, p.Pro317Arg (NM_001093772.2, NM_001385285.1, NM_001385286.1); c.953C>G, p.Pro318Arg (NM_001385284.1, NM_001385288.1, NM_001385290.1 and 1 more transcripts); short protein forms P317R, P318R.
Identifiers: ClinVar variation 1376191 (VCV001376191.8), dbSNP rs2109705013, ClinGen allele CA356900745.